The following is an entry in ClinVar:

NM_004329.3(BMPR1A):c.501G>T (p.Met167Ile)

Gene: BMPR1A (bone morphogenetic protein receptor type 1A; plus strand). Cytogenetic location: 10q23.2.
Variant type: single nucleotide variant.
Coding change: c.501G>T on transcript NM_004329.3 (MANE Select); coding-DNA position 501, G replaced by T.
Protein change: p.Met167Ile; replaces methionine 167 with isoleucine.
Molecular consequence: missense variant. On other transcripts: non-coding transcript variant (3), intron variant (1).
Genome position (GRCh38, 1-based): chr10:86,900,097, G>T. VCF-style: chr10-86900097-G-T. GRCh37 (hg19) VCF-style: chr10-88659854-G-T.
Other names: c.501G>T, p.Met167Ile (NM_001406559.1, NM_001406560.1, NM_001406561.1 and 22 more transcripts); c.417G>T, p.Met139Ile (NM_001406584.1, NM_001406585.1, NM_001406586.1 and 2 more transcripts); c.333+7868G>T (NM_001406589.1); short protein forms M139I, M167I.
Identifiers: ClinVar variation 3223955 (VCV003223955.1), dbSNP rs2539495149, ClinGen allele CA377450574.
Genomic context (GRCh38, chr10:86,900,097, plus strand): 5'-TGATGGCAGCATTCGATGGCTGGTTTTGCTCATTTCTATGGCTGTCTGCATAATTGCTAT[G>T]ATCATCTTCTCCAGCTGCTTTTGTTACAAGTAAGAAGATATTTATTTTGAAGCAAAATAT-3'
Protein context (NP_004320.2, residues 157-177): LISMAVCIIA[Met167Ile]IIFSSCFCYK

ClinVar aggregate classification (germline): Uncertain significance (1 of 4 stars; one submission).

Conditions:
Hereditary cancer-predisposing syndrome. Also called: Tumor predisposition; Hereditary neoplastic syndrome; Hereditary Cancer Syndrome; Neoplastic Syndromes, Hereditary. Identifiers: Orphanet 140162, MedGen C0027672, MeSH D009386, MONDO:0015356.

Submission:

Ambry Genetics
Classification: Uncertain significance for Hereditary cancer-predisposing syndrome. Last evaluated: 2023-10-13. Review status: criteria provided, single submitter. Criteria: Ambry Variant Classification Scheme 2023. Collection method: clinical testing. Allele origin: germline.
Comment: The p.M167I variant (also known as c.501G>T), located in coding exon 5 of the BMPR1A gene, results from a G to T substitution at nucleotide position 501. The methionine at codon 167 is replaced by isoleucine, an amino acid with highly similar properties. This amino acid position is well conserved in available vertebrate species. In addition, this alteration is predicted to be tolerated by in silico analysis. Since supporting evidence is limited at this time, the clinical significance of this alteration remains unclear.